The following is an entry in ClinVar:

ClinVar aggregate classification (germline): Uncertain significance (1 of 4 stars; one submission).

gnomAD v4.1: 2 of 1,583,756 alleles (0.00013%); highest among the groups gnomAD compares: African/African-American, 0.0027%; no homozygotes.

Submission:

Labcorp Genetics (formerly Invitae), Labcorp
Classification: Uncertain significance. Last evaluated: 2024-04-02. Review status: criteria provided, single submitter. Criteria: Invitae Variant Classification Sherloc (09022015). Collection method: clinical testing. Allele origin: germline.
Comment: This sequence change replaces threonine, which is neutral and polar, with serine, which is neutral and polar, at codon 89 of the LOX protein (p.Thr89Ser). This variant is present in population databases (rs754399452, gnomAD 0.01%). This variant has not been reported in the literature in individuals affected with LOX-related conditions. Advanced modeling of protein sequence and biophysical properties (such as structural, functional, and spatial information, amino acid conservation, physicochemical variation, residue mobility, and thermodynamic stability) performed at Invitae indicates that this missense variant is not expected to disrupt LOX protein function with a negative predictive value of 80%. In summary, the available evidence is currently insufficient to determine the role of this variant in disease. Therefore, it has been classified as a Variant of Uncertain Significance.

NM_002317.7(LOX):c.265A>T (p.Thr89Ser)

Genes: LOX (lysyl oxidase; minus strand), SRFBP1 (serum response factor binding protein 1; plus strand). Cytogenetic location: 5q23.1.
Variant type: single nucleotide variant.
Coding change: c.265A>T on transcript NM_002317.7 (MANE Select); coding-DNA position 265, A replaced by T.
Protein change: p.Thr89Ser; replaces threonine 89 with serine.
Molecular consequence: missense variant.
Genome position (GRCh38, 1-based): chr5:122,077,721, T>A on the plus strand (A>T on the coding strand, the complement: LOX is on the minus strand). VCF-style: chr5-122077721-T-A. GRCh37 (hg19) VCF-style: chr5-121413416-T-A.
Other names: short protein forms T89S.
Identifiers: ClinVar variation 3702189 (VCV003702189.2).